The following is an entry in ClinVar:

NM_003872.3(NRP2):c.1857C>T (p.Thr619=)

Gene: NRP2 (neuropilin 2; plus strand). Cytogenetic location: 2q33.3.
Variant type: single nucleotide variant.
Coding change: c.1857C>T on transcript NM_003872.3 (MANE Select); coding-DNA position 1857, C replaced by T.
Protein change: p.Thr619=; no amino-acid change (threonine 619 retained).
Molecular consequence: synonymous variant.
Genome position (GRCh38, 1-based): chr2:205,749,795, C>T. VCF-style: chr2-205749795-C-T. GRCh37 (hg19) VCF-style: chr2-206614519-C-T.
Other names: c.1857C>T, p.Thr619= (NM_018534.4, NM_201266.2, NM_201267.2 and 1 more transcripts).
Identifiers: ClinVar variation 3029202 (VCV003029202.2), dbSNP rs777980687, ClinGen allele CA2069242.

ClinVar aggregate classification (germline): Likely benign (0 of 4 stars; one submission).

Conditions:
NRP2-related disorder. Also called: NRP2-related condition.

gnomAD v4.1: 55 of 1,614,024 alleles (0.0034%); highest among the groups gnomAD compares: Middle Eastern, 0.033%; no homozygotes.

Submission:

PreventionGenetics, part of Exact Sciences
Classification: Likely benign for NRP2-related condition. Last evaluated: 2022-04-04. Review status: no assertion criteria provided. Collection method: clinical testing. Allele origin: germline.
Comment: This variant is classified as likely benign based on ACMG/AMP sequence variant interpretation guidelines (Richards et al. 2015 PMID: 25741868, with internal and published modifications).